The following is an entry in ClinVar:

NC_000014.8:g.(?_32319298)_(32319427_?)del

Gene: NUBPL (NUBP iron-sulfur cluster assembly factor, mitochondrial; plus strand). Cytogenetic location: 14q12.
Variant type: Deletion.
Identifiers: ClinVar variation 2426926 (VCV002426926.4).

ClinVar aggregate classification (germline): Uncertain significance (1 of 4 stars; one submission).

Submission:

Labcorp Genetics (formerly Invitae), Labcorp
Classification: Uncertain significance. Last evaluated: 2022-01-28. Review status: criteria provided, single submitter. Criteria: Invitae Variant Classification Sherloc (09022015). Collection method: clinical testing. Allele origin: germline.
Comment: In summary, the available evidence is currently insufficient to determine the role of this variant in disease. Therefore, it has been classified as a Variant of Uncertain Significance. Experimental studies and prediction algorithms are not available or were not evaluated, and the functional significance of this variant is currently unknown. This variant has not been reported in the literature in individuals affected with NUBPL-related conditions. This variant is a gross deletion of the genomic region encompassing exon(s) 10 of the NUBPL gene. While this deletion is not anticipated to lead to nonsense mediated decay, it is expected to disrupt the C-terminus of the protein.